The following is an entry in ClinVar:

ClinVar aggregate classification (germline): Uncertain significance (1 of 4 stars; one submission).

Conditions:
Primary ciliary dyskinesia 19. Also called: CILIARY DYSKINESIA, PRIMARY, 19, WITH OR WITHOUT SITUS INVERSUS. Identifiers: Orphanet 244, MedGen C3543826, MONDO:0013979, OMIM 614935.

gnomAD v4.1: 1 of 1,611,788 alleles (0.000062%); highest among the groups gnomAD compares: Admixed American, 0.0017%; no homozygotes.

Submission:

Labcorp Genetics (formerly Invitae), Labcorp
Classification: Uncertain significance for Primary ciliary dyskinesia 19. Last evaluated: 2025-03-18. Review status: criteria provided, single submitter. Criteria: Invitae Variant Classification Sherloc (09022015). Collection method: clinical testing. Allele origin: germline.
Comment: This sequence change replaces alanine, which is neutral and non-polar, with valine, which is neutral and non-polar, at codon 229 of the LRRC6 protein (p.Ala229Val). This variant is not present in population databases (gnomAD no frequency). This variant has not been reported in the literature in individuals affected with LRRC6-related conditions. Invitae Evidence Modeling of protein sequence and biophysical properties (such as structural, functional, and spatial information, amino acid conservation, physicochemical variation, residue mobility, and thermodynamic stability) indicates that this missense variant is not expected to disrupt LRRC6 protein function with a negative predictive value of 80%. In summary, the available evidence is currently insufficient to determine the role of this variant in disease. Therefore, it has been classified as a Variant of Uncertain Significance.

NM_012472.6(DNAAF11):c.686C>T (p.Ala229Val)

Gene: DNAAF11 (dynein axonemal assembly factor 11; minus strand). Cytogenetic location: 8q24.22.
Variant type: single nucleotide variant.
Coding change: c.686C>T on transcript NM_012472.6 (MANE Select); coding-DNA position 686, C replaced by T.
Protein change: p.Ala229Val; replaces alanine 229 with valine.
Molecular consequence: missense variant. On other transcripts: non-coding transcript variant (10).
Genome position (GRCh38, 1-based): chr8:132,625,422, G>A on the plus strand (C>T on the coding strand, the complement: DNAAF11 is on the minus strand). VCF-style: chr8-132625422-G-A. GRCh37 (hg19) VCF-style: chr8-133637668-G-A.
Other names: c.686C>T, p.Ala229Val (NM_001321961.2); c.440C>T, p.Ala147Val (NM_001321962.2); c.326C>T, p.Ala109Val (NM_001321963.2, NM_001321964.2, NM_001321965.2 and 1 more transcripts); short protein forms A109V, A229V, A147V.
Identifiers: ClinVar variation 4745297 (VCV004745297.1).